The following is an entry in ClinVar:

ClinVar aggregate classification (germline): Uncertain significance. Review status: criteria provided, multiple submitters, no conflicts (2 of 4 stars). 2 submissions from 2 submitters: Uncertain significance (2). Last evaluated 2026-01-26.

Conditions:
Brugada syndrome 5 (BRGDA5). Identifiers: Orphanet 130, Orphanet 871, MedGen C2748541, MONDO:0013015, OMIM 612838.

Allele frequency attached by ClinVar (database versions not stated): gnomAD exomes below 0.00001 and 0.00001; TOPMed below 0.00001; gnomAD 0.00001.
gnomAD v4.1: 2 of 1,549,142 alleles (0.00013%); highest among the groups gnomAD compares: Admixed American, 0.0039%; no homozygotes.

Submissions (2):

Labcorp Genetics (formerly Invitae), Labcorp
Classification: Uncertain significance for Brugada syndrome 5. Last evaluated: 2026-01-26. Review status: criteria provided, single submitter. Criteria: Invitae Variant Classification Sherloc (09022015). Collection method: clinical testing. Allele origin: germline.
Comment: This sequence change replaces leucine, which is neutral and non-polar, with proline, which is neutral and non-polar, at codon 253 of the SCN1B protein (p.Leu253Pro). This variant is present in population databases (no rsID available, gnomAD 0.008%). This variant has not been reported in the literature in individuals affected with SCN1B-related conditions. ClinVar contains an entry for this variant (Variation ID: 841112). An algorithm developed to predict the effect of missense changes on protein structure and function outputs the following: PolyPhen-2: "Possibly Damaging". The proline amino acid residue is found in multiple mammalian species, which suggests that this missense change does not adversely affect protein function. In summary, the available evidence is currently insufficient to determine the role of this variant in disease. Therefore, it has been classified as a Variant of Uncertain Significance.

GeneDx
Classification: Uncertain significance. Last evaluated: 2022-08-12. Review status: criteria provided, single submitter. Criteria: GeneDx Variant Classification Process June 2021. Collection method: clinical testing. Allele origin: germline. Affected: yes.
Comment: Has not been previously published as pathogenic or benign to our knowledge; Not observed at significant frequency in large population cohorts (gnomAD); In silico analysis supports that this variant does not alter splicing

NM_001037.5(SCN1B):c.448+310T>C

Gene: SCN1B (sodium voltage-gated channel beta subunit 1; plus strand). Cytogenetic location: 19q13.11.
Variant type: single nucleotide variant.
Coding change: c.448+310T>C on transcript NM_001037.5 (MANE Select); 310 bases into the intron after coding-DNA position 448, T replaced by C.
Molecular consequence: intron variant. On other transcripts: missense variant (1).
Genome position (GRCh38, 1-based): chr19:35,034,049, T>C. VCF-style: chr19-35034049-T-C. GRCh37 (hg19) VCF-style: chr19-35524953-T-C.
Other names: c.758T>C, p.Leu253Pro (NM_199037.5); c.349+310T>C (NM_001321605.2); short protein forms L253P.
Identifiers: ClinVar variation 841112 (VCV000841112.8), dbSNP rs1230072181, ClinGen allele CA405329792.